The following is an entry in ClinVar:

NM_004990.4(MARS1):c.136C>T (p.Pro46Ser)

Gene: MARS1 (methionyl-tRNA synthetase 1; plus strand). Cytogenetic location: 12q13.3.
Variant type: single nucleotide variant.
Coding change: c.136C>T on transcript NM_004990.4 (MANE Select); coding-DNA position 136, C replaced by T.
Protein change: p.Pro46Ser; replaces proline 46 with serine.
Molecular consequence: missense variant.
Genome position (GRCh38, 1-based): chr12:57,489,045, C>T. VCF-style: chr12-57489045-C-T. GRCh37 (hg19) VCF-style: chr12-57882828-C-T.
Other names: short protein forms P46S.
Identifiers: ClinVar variation 3754488 (VCV003754488.2).

ClinVar aggregate classification (germline): Uncertain significance (1 of 4 stars; one submission).

Conditions:
Severe early-onset pulmonary alveolar proteinosis due to MARS deficiency. Also called: PULMONARY ALVEOLAR PROTEINOSIS, REUNION ISLAND; Interstitial lung and liver disease. Identifiers: Orphanet 440427, MedGen C4225400, MONDO:0014206, OMIM 615486.
Charcot-Marie-Tooth disease axonal type 2U. Also called: CHARCOT-MARIE-TOOTH NEUROPATHY, TYPE 2U; CHARCOT-MARIE-TOOTH DISEASE, AXONAL, AUTOSOMAL DOMINANT, TYPE 2U. Identifiers: Orphanet 397735, MedGen C4084821, MONDO:0014566, OMIM 616280.

gnomAD v4.1: 2 of 1,613,890 alleles (0.00012%); highest among the groups gnomAD compares: African/African-American, 0.0013%; no homozygotes.

Submission:

Labcorp Genetics (formerly Invitae), Labcorp
Classification: Uncertain significance for Charcot-Marie-Tooth disease axonal type 2U; Severe early-onset pulmonary alveolar proteinosis due to MARS deficiency. Last evaluated: 2024-02-07. Review status: criteria provided, single submitter. Criteria: Invitae Variant Classification Sherloc (09022015). Collection method: clinical testing. Allele origin: germline.
Comment: This sequence change replaces proline, which is neutral and non-polar, with serine, which is neutral and polar, at codon 46 of the MARS protein (p.Pro46Ser). This variant is not present in population databases (gnomAD no frequency). This variant has not been reported in the literature in individuals affected with MARS-related conditions. An algorithm developed to predict the effect of missense changes on protein structure and function (PolyPhen-2) suggests that this variant is likely to be tolerated. In summary, the available evidence is currently insufficient to determine the role of this variant in disease. Therefore, it has been classified as a Variant of Uncertain Significance.